The following is an entry in ClinVar:

NM_005475.3(SH2B3):c.158C>A (p.Pro53Gln)

Gene: SH2B3 (SH2B adaptor protein 3; plus strand). Cytogenetic location: 12q24.12.
Variant type: single nucleotide variant.
Coding change: c.158C>A on transcript NM_005475.3 (MANE Select); coding-DNA position 158, C replaced by A.
Protein change: p.Pro53Gln; replaces proline 53 with glutamine.
Molecular consequence: missense variant.
Genome position (GRCh38, 1-based): chr12:111,418,303, C>A. VCF-style: chr12-111418303-C-A. GRCh37 (hg19) VCF-style: chr12-111856107-C-A.
Other names: short protein forms P53Q.
Identifiers: ClinVar variation 4163981 (VCV004163981.1).
Genomic context (GRCh38, chr12:111,418,303, plus strand): 5'-ACGCCGTAGCGGCGGCCCGGGAGCTGGCCCGCCAGTACTGGCTGTTCGCCCGGGAGCATC[C>A]GCAGCACGCGCCGCTGCGCGCCGAGCTGGTGTCGCTGCAGTTCACCGACCTCTTCCAGCG-3'
Protein context (NP_005466.1, residues 43-63): RQYWLFAREH[Pro53Gln]QHAPLRAELV

ClinVar aggregate classification (germline): Uncertain significance (1 of 4 stars; one submission).

Conditions:
Inborn genetic diseases. Identifiers: MedGen C0950123, MeSH D030342.

Submission:

Ambry Genetics
Classification: Uncertain significance for Inborn genetic diseases. Last evaluated: 2025-08-09. Review status: criteria provided, single submitter. Criteria: Ambry Variant Classification Scheme 2023. Collection method: clinical testing. Allele origin: germline.
Comment: The p.P53Q variant (also known as c.158C>A), located in coding exon 1 of the SH2B3 gene, results from a C to A substitution at nucleotide position 158. The proline at codon 53 is replaced by glutamine, an amino acid with similar properties. This amino acid position is conserved. In addition, this alteration is predicted to be tolerated by in silico analysis. Based on the available evidence, the clinical significance of this variant remains unclear.